The following is an entry in ClinVar:

NM_058216.3(RAD51C):c.904G>A (p.Gly302Arg)

Gene: RAD51C (RAD51 paralog C; plus strand). Cytogenetic location: 17q22.
Variant type: single nucleotide variant.
Coding change: c.904G>A on transcript NM_058216.3 (MANE Select); coding-DNA position 904, G replaced by A.
Protein change: p.Gly302Arg; replaces glycine 302 with arginine.
Molecular consequence: missense variant. On other transcripts: non-coding transcript variant (1).
Genome position (GRCh38, 1-based): chr17:58,720,812, G>A. VCF-style: chr17-58720812-G-A. GRCh37 (hg19) VCF-style: chr17-56798173-G-A.
Other names: short protein forms G302R.
Identifiers: ClinVar variation 478781 (VCV000478781.30), dbSNP rs1555602158, ClinGen allele CA400359832.
Genomic context (GRCh38, chr17:58,720,812, plus strand): 5'-TTAACCAATCAGATGACAACAAAGATTGATAGAAATCAGGCCTTGCTTGTTCCTGCATTA[G>A]GTGGGTAATTAATCAGATAAACATTTTAGTTTATCACAGTTTTTCTTATCTCTTTCATTT-3'
Protein context (NP_478123.1, residues 292-312): RNQALLVPAL[Gly302Arg]ESWGHAATIR

ClinVar aggregate classification (germline): Conflicting classifications of pathogenicity. Review status: criteria provided, conflicting classifications (1 of 4 stars). 7 submissions from 7 submitters: Likely pathogenic (4); Uncertain significance (3). Last evaluated 2025-12-17.

Conditions:
Hereditary breast ovarian cancer syndrome. Also called: Hereditary breast and ovarian cancer; Hereditary breast and ovarian cancer syndrome (HBOC); Hereditary breast and/or ovarian cancer syndrome; BRCA1- and BRCA2-Associated Hereditary Breast and Ovarian Cancer; Breast and ovarian cancer; Hereditary breast and ovarian cancer syndrome. Identifiers: Orphanet 145, MedGen C0677776, MeSH D061325, MONDO:0003582. Disease mechanism: loss of function.
Hereditary cancer-predisposing syndrome. Also called: Neoplastic Syndromes, Hereditary; Tumor predisposition; Hereditary neoplastic syndrome; Hereditary Cancer Syndrome. Identifiers: Orphanet 140162, MedGen C0027672, MeSH D009386, MONDO:0015356.
Fanconi anemia complementation group O. Also called: RAD51C-Related Fanconi Anemia. Identifiers: Orphanet 84, MedGen C3150653, MONDO:0013248, OMIM 613390.
Breast-ovarian cancer, familial, susceptibility to, 3. Also called: RAD51C-Related Breast/Ovarian Cancer. Identifiers: Orphanet 145, MedGen C3150659, MONDO:0013253, OMIM 613399.

Allele frequency attached by ClinVar (database versions not stated): TOPMed below 0.00001.

Submissions (7):

Dasa
Classification: Uncertain significance. Last evaluated: 2025-12-17. Review status: criteria provided, single submitter. Criteria: DASA Assertion Criteria. Collection method: clinical testing. Allele origin: germline.
Comment: NM_058216.3(RAD51C):c.904G>A (p.Gly302Arg) is a missense variant that results in the substitution of glycine with arginine. This variant is rare in population databases. Computational prediction algorithms are consistent with a deleterious effect. The currently available literature and clinical evidence are not sufficient to establish a definitive association between this variant and the reported condition. Therefore, this variant is classified as a variant of uncertain significance.

Ambry Genetics
Classification: Likely pathogenic for Hereditary cancer-predisposing syndrome. Last evaluated: 2025-11-13. Review status: criteria provided, single submitter. Criteria: Ambry Variant Classification Scheme 2023. Collection method: clinical testing. Allele origin: germline.
Comment: The c.904G>A variant (also known as p.G302R), located in coding exon 6 of the RAD51C gene, results from a G to A substitution at nucleotide position 904. The amino acid change results in glycine to arginine at codon 302, an amino acid with dissimilar properties. However, this change occurs in the last base pair of coding exon 6, which makes it likely to have some effect on normal mRNA splicing. This nucleotide position is highly conserved in available vertebrate species. In silico splice site analysis predicts that this alteration will weaken the native splice donor site and may result in the creation or strengthening of a novel splice donor site. RNA studies have demonstrated that this alteration results in abnormal splicing in the set of samples tested (Ambry internal data). This variant is considered to be rare based on population cohorts in the Genome Aggregation Database (gnomAD). Based on the majority of available evidence to date, this variant is likely to be pathogenic.

Labcorp Genetics (formerly Invitae), Labcorp
Classification: Likely pathogenic for Fanconi anemia complementation group O. Last evaluated: 2025-07-07. Review status: criteria provided, single submitter. Criteria: Invitae Variant Classification Sherloc (09022015). Collection method: clinical testing. Allele origin: germline.
Comment: This sequence change replaces glycine, which is neutral and non-polar, with arginine, which is basic and polar, at codon 302 of the RAD51C protein (p.Gly302Arg). RNA analysis indicates that this missense change induces altered splicing and may result in an absent or altered protein product. This variant is not present in population databases (gnomAD no frequency). This missense change has been observed in individual(s) with breast cancer or ovarian cancer (PMID: 35534704, 35957908). ClinVar contains an entry for this variant (Variation ID: 478781). An algorithm developed to predict the effect of missense changes on protein structure and function (PolyPhen-2) suggests that this variant is likely to be disruptive. Variants that disrupt the consensus splice site are a relatively common cause of aberrant splicing (PMID: 17576681, 9536098). Studies have shown that this missense change alters mRNA splicing and is expected to lead to the loss of protein expression (PMID: 35740625; internal data). In summary, the currently available evidence indicates that the variant is pathogenic, but additional data are needed to prove that conclusively. Therefore, this variant has been classified as Likely Pathogenic.

Myriad Genetics, Inc.
Classification: Likely pathogenic for Breast-ovarian cancer, familial, susceptibility to, 3. Last evaluated: 2024-10-25. Review status: criteria provided, single submitter. Criteria: Myriad Autosomal Dominant, Autosomal Recessive and X-Linked Classification Criteria (2023). Collection method: clinical testing. Allele origin: unknown.
Comment: This variant is considered likely pathogenic. mRNA analysis has demonstrated abnormal mRNA splicing occurs [Myriad internal data].

Color Diagnostics, LLC DBA Color Health
Classification: Uncertain significance for Hereditary cancer-predisposing syndrome. Last evaluated: 2024-04-30. Review status: criteria provided, single submitter. Criteria: ACMG Guidelines, 2015. Collection method: clinical testing. Allele origin: germline.
Comment: This variant causes a G to A nucleotide substitution at the last nucleotide of exon 6 of the RAD51C gene and replaces glycine with arginine at codon 302 of the RAD51C protein. Computational prediction is inconclusive regarding the impact of this variant on protein structure and function. Splice site prediction tools suggest that this variant may have a significant impact on RNA splicing. In a minigene assay of this variant, the vast majority of transcript used a cryptic splice site 4 nucleotides downstream of the canonical splice site, resulting in the introduction of a premature stop signal (PMID: 35740625). This variant has been reported to impact RNA splicing by external laboratories, however, detailed data are not available for review (ClinVar Accession: SCV000663767.5, SCV000660417.8). This variant has not been reported in individuals affected with hereditary cancer in the literature. This variant has not been identified in the general population by the Genome Aggregation Database (gnomAD). The available evidence is insufficient to determine the role of this variant in disease conclusively. Therefore, this variant is classified as a Variant of Uncertain Significance.

Mendelics
Classification: Uncertain significance for Hereditary breast and ovarian cancer syndrome. Last evaluated: 2018-07-02. Review status: criteria provided, single submitter. Criteria: Mendelics Assertion Criteria 2017. Collection method: clinical testing. Allele origin: unknown.

Genesis Genomics
Classification: Likely pathogenic for Breast-ovarian cancer, familial, susceptibility to, 3. Review status: criteria provided, single submitter. Criteria: ACMG Guidelines, 2015. Collection method: clinical testing. Allele origin: germline. Affected: no. Observed: 1 variant allele.

Literature cited by the submitters: PubMed 35534704 (cited by Labcorp Genetics (formerly Invitae), Labcorp); PubMed 35957908 (cited by Labcorp Genetics (formerly Invitae), Labcorp); PubMed 17576681 (cited by Labcorp Genetics (formerly Invitae), Labcorp); PubMed 9536098 (cited by Labcorp Genetics (formerly Invitae), Labcorp); PubMed 35740625 (cited by Labcorp Genetics (formerly Invitae), Labcorp and Color Diagnostics, LLC DBA Color Health).